The following is an entry in ClinVar:

ClinVar aggregate classification (germline): Conflicting classifications of pathogenicity. Review status: criteria provided, conflicting classifications (1 of 4 stars). 6 submissions from 6 submitters: Uncertain significance (4); Likely benign (1). 1 of the submissions does not count toward it. Last evaluated 2026-04-07.

Conditions:
Hereditary cancer-predisposing syndrome. Also called: Neoplastic Syndromes, Hereditary; Hereditary neoplastic syndrome; Tumor predisposition; Hereditary Cancer Syndrome. Identifiers: Orphanet 140162, MedGen C0027672, MeSH D009386, MONDO:0015356.
Familial cancer of breast. Also called: Hereditary breast cancer; hereditary breast carcinoma; BREAST CANCER, FAMILIAL. Identifiers: Orphanet 227535, MedGen C0346153, MONDO:0016419, OMIM 114480. Disease mechanism: loss of function.
Breast-ovarian cancer, familial, susceptibility to, 2 (BROVCA2). Also called: BRCA2 Hereditary Breast and Ovarian Cancer. Identifiers: Orphanet 145, MedGen C2675520, MONDO:0012933, OMIM 612555. Disease mechanism: loss of function.
Hereditary breast ovarian cancer syndrome. Also called: Hereditary breast and/or ovarian cancer syndrome; Hereditary breast and ovarian cancer; Hereditary breast and ovarian cancer syndrome (HBOC); Breast and ovarian cancer; BRCA1- and BRCA2-Associated Hereditary Breast and Ovarian Cancer; Hereditary breast and ovarian cancer syndrome. Identifiers: Orphanet 145, MedGen C0677776, MeSH D061325, MONDO:0003582. Disease mechanism: loss of function.

Submissions (6):

Ambry Genetics
Classification: Uncertain significance for Hereditary cancer-predisposing syndrome. Last evaluated: 2026-04-07. Review status: criteria provided, single submitter. Criteria: Ambry Variant Classification Scheme 2023. Collection method: clinical testing. Allele origin: germline.

Labcorp Genetics (formerly Invitae), Labcorp
Classification: Uncertain significance for Hereditary breast ovarian cancer syndrome. Last evaluated: 2025-01-06. Review status: criteria provided, single submitter. Criteria: Invitae Variant Classification Sherloc (09022015). Collection method: clinical testing. Allele origin: germline.
Comment: This sequence change replaces aspartic acid, which is acidic and polar, with histidine, which is basic and polar, at codon 1956 of the BRCA2 protein (p.Asp1956His). This variant is not present in population databases (gnomAD no frequency). This missense change has been observed in individual(s) with breast and/or ovarian cancer (PMID: 26911350, 29470806). ClinVar contains an entry for this variant (Variation ID: 51956). Invitae Evidence Modeling of protein sequence and biophysical properties (such as structural, functional, and spatial information, amino acid conservation, physicochemical variation, residue mobility, and thermodynamic stability) indicates that this missense variant is not expected to disrupt BRCA2 protein function with a negative predictive value of 95%. In summary, the available evidence is currently insufficient to determine the role of this variant in disease. Therefore, it has been classified as a Variant of Uncertain Significance.

Department of Pathology and Laboratory Medicine, Sinai Health System
Classification: Uncertain significance for Familial cancer of breast; Breast-ovarian cancer, familial, susceptibility to, 2. Last evaluated: 2023-11-06. Review status: criteria provided, single submitter. Criteria: ACMG Guidelines, 2015. Collection method: clinical testing. Allele origin: germline. Affected: yes.

All of Us Research Program, National Institutes of Health
Classification: Uncertain significance for Breast-ovarian cancer, familial, susceptibility to, 2. Last evaluated: 2023-10-27. Review status: criteria provided, single submitter. Criteria: ACMG Guidelines, 2015. Collection method: clinical testing. Allele origin: germline. Inheritance: Autosomal dominant inheritance. Observed: 2 variant alleles, 2 heterozygotes.
Comment: This missense variant replaces aspartic acid with histidine at codon 1956 of the BRCA2 protein. Computational prediction suggests that this variant may not impact protein structure and function (internally defined REVEL score threshold <= 0.5, PMID: 27666373). To our knowledge, functional studies have not been reported for this variant. This variant has been reported in two individuals affected with breast or ovarian cancer (PMID: 26911350, 29470806). This variant has not been identified in the general population by the Genome Aggregation Database (gnomAD). The available evidence is insufficient to determine the role of this variant in disease conclusively. Therefore, this variant is classified as a Variant of Uncertain Significance.

This study involves interpretation of variants in research participants for the purpose of population health screening. Participant phenotype was not available at the time of variant classification. Additional details can be found in publication PMID: 35346344, PMCID: PMC8962531

University of Washington Department of Laboratory Medicine, University of Washington
Classification: Likely benign for Hereditary cancer-predisposing syndrome. Last evaluated: 2023-03-23. Review status: criteria provided, single submitter. Criteria: Dines et al. (Genet Med. 2020). Collection method: curation. Allele origin: germline.
Comment: Missense variant in a coldspot region where missense variants are very unlikely to be pathogenic (PMID:31911673).

BRCA2 exon 11 coldspot. Reclassification based on statistical prior probability.

Breast Cancer Information Core (BIC) (BRCA2)
Classification: Uncertain significance for Breast-ovarian cancer, familial 2. Last evaluated: 2002-05-29. Review status: no assertion criteria provided. Collection method: clinical testing. Allele origin: germline. Affected: yes. Observed: 1 variant allele. Not counted in ClinVar's aggregate classification.

Literature cited by the submitters: PubMed 26911350 (cited by Labcorp Genetics (formerly Invitae), Labcorp and All of Us Research Program, National Institutes of Health); PubMed 29470806 (cited by 3 submitters).

NM_000059.4(BRCA2):c.5866G>C (p.Asp1956His)

Gene: BRCA2 (BRCA2 DNA repair associated; plus strand). Cytogenetic location: 13q13.1.
Variant type: single nucleotide variant.
Coding change: c.5866G>C on transcript NM_000059.4 (MANE Select); coding-DNA position 5866, G replaced by C.
Protein change: p.Asp1956His; replaces aspartic acid 1956 with histidine.
Molecular consequence: missense variant.
Genome position (GRCh38, 1-based): chr13:32,340,221, G>C. VCF-style: chr13-32340221-G-C. GRCh37 (hg19) VCF-style: chr13-32914358-G-C.
Other names: short protein forms D1956H.
Identifiers: ClinVar variation 51956 (VCV000051956.13), dbSNP rs80358816, ClinGen allele CA023321.